The following is an entry in ClinVar:

ClinVar aggregate classification (germline): Uncertain significance. Review status: criteria provided, multiple submitters, no conflicts (2 of 4 stars). 2 submissions from 2 submitters: Uncertain significance (2). Last evaluated 2025-08-30.

Allele frequency attached by ClinVar (database versions not stated): TOPMed 0.00003; ExAC 0.00006; ESP Exome Variant Server 0.00015.
gnomAD v4.1: 119 of 1,605,968 alleles (0.0074%); highest among the groups gnomAD compares: Non-Finnish European, 0.0097%; 1 homozygote.

Submissions (2):

Labcorp Genetics (formerly Invitae), Labcorp
Classification: Uncertain significance. Last evaluated: 2025-08-30. Review status: criteria provided, single submitter. Criteria: Invitae Variant Classification Sherloc (09022015). Collection method: clinical testing. Allele origin: germline.
Comment: This sequence change replaces glutamic acid, which is acidic and polar, with lysine, which is basic and polar, at codon 193 of the PSMG2 protein (p.Glu193Lys). This variant is present in population databases (rs142058774, gnomAD 0.005%). This variant has not been reported in the literature in individuals affected with PSMG2-related conditions. ClinVar contains an entry for this variant (Variation ID: 2164994). An algorithm developed to predict the effect of missense changes on protein structure and function (PolyPhen-2) suggests that this variant is likely to be tolerated. In summary, the available evidence is currently insufficient to determine the role of this variant in disease. Therefore, it has been classified as a Variant of Uncertain Significance.

Ambry Genetics
Classification: Uncertain significance. Last evaluated: 2025-02-06. Review status: criteria provided, single submitter. Criteria: Ambry Variant Classification Scheme 2023. Collection method: clinical testing. Allele origin: germline.

NM_020232.5(PSMG2):c.577G>A (p.Glu193Lys)

Gene: PSMG2 (proteasome assembly chaperone 2; plus strand). Cytogenetic location: 18p11.21.
Variant type: single nucleotide variant.
Coding change: c.577G>A on transcript NM_020232.5 (MANE Select); coding-DNA position 577, G replaced by A.
Protein change: p.Glu193Lys; replaces glutamic acid 193 with lysine.
Molecular consequence: missense variant.
Genome position (GRCh38, 1-based): chr18:12,720,679, G>A. VCF-style: chr18-12720679-G-A. GRCh37 (hg19) VCF-style: chr18-12720678-G-A.
Other names: c.484G>A, p.Glu162Lys (NM_147163.2); c.577G>A (NM_020232.4); short protein forms E162K, E193K.
Identifiers: ClinVar variation 2164994 (VCV002164994.5), dbSNP rs142058774, ClinGen allele CA8898442.
Genomic context (GRCh38, chr18:12,720,679, plus strand): 5'-GATGATTCCGAGTTTTGTATCCGCATTCCGGGAGGAGGTATCACAAAAACACTCTATGAT[G>A]AAAGGTGAGTTTGTTTGCCTGTTCATTTGTTTCCCACTTTACTTAAAAATGAAATTAATG-3'
Protein context (NP_064617.2, residues 183-203): GGGITKTLYD[Glu193Lys]SCSKEIQMAV